The following is an entry in ClinVar:

NM_020964.3(EPG5):c.1391T>C (p.Val464Ala)

Gene: EPG5 (ectopic P-granules 5 autophagy tethering factor; minus strand). Cytogenetic location: 18q21.1.
Variant type: single nucleotide variant.
Coding change: c.1391T>C on transcript NM_020964.3 (MANE Select); coding-DNA position 1391, T replaced by C.
Protein change: p.Val464Ala; replaces valine 464 with alanine.
Molecular consequence: missense variant.
Genome position (GRCh38, 1-based): chr18:45,949,590, A>G on the plus strand (T>C on the coding strand, the complement: EPG5 is on the minus strand). VCF-style: chr18-45949590-A-G. GRCh37 (hg19) VCF-style: chr18-43529556-A-G.
Other names: c.1391T>C, p.Val464Ala (LRG_1234t1); short protein forms V464A.
Identifiers: ClinVar variation 534601 (VCV000534601.6), dbSNP rs572513821, ClinGen allele CA8949735.

ClinVar aggregate classification (germline): Uncertain significance. Review status: criteria provided, multiple submitters, no conflicts (2 of 4 stars). 2 submissions from 2 submitters: Uncertain significance (2). Last evaluated 2025-04-13.

Conditions:
Vici syndrome (VICIS). Identifiers: Orphanet 1493, MedGen C1855772, MONDO:0009452, OMIM 242840.
Inborn genetic diseases. Identifiers: MedGen C0950123, MeSH D030342.

Allele frequency attached by ClinVar (database versions not stated): gnomAD below 0.00001 and 0.00006; 1000 Genomes Project 30x 0.00016; TOPMed below 0.00001; ExAC 0.00013; gnomAD exomes 0.00005 and 0.00010; 1000 Genomes Project 0.00020.
gnomAD v4.1: 86 of 1,596,580 alleles (0.0054%); highest among the groups gnomAD compares: South Asian, 0.091%; no homozygotes.

Submissions (2):

Ambry Genetics
Classification: Uncertain significance for Inborn genetic diseases. Last evaluated: 2025-04-13. Review status: criteria provided, single submitter. Criteria: Ambry Variant Classification Scheme 2023. Collection method: clinical testing. Allele origin: germline.

Labcorp Genetics (formerly Invitae), Labcorp
Classification: Uncertain significance for Vici syndrome. Last evaluated: 2022-07-26. Review status: criteria provided, single submitter. Criteria: Invitae Variant Classification Sherloc (09022015). Collection method: clinical testing. Allele origin: germline.
Comment: This sequence change replaces valine, which is neutral and non-polar, with alanine, which is neutral and non-polar, at codon 464 of the EPG5 protein (p.Val464Ala). This variant is present in population databases (rs572513821, gnomAD 0.08%). This variant has not been reported in the literature in individuals affected with EPG5-related conditions. ClinVar contains an entry for this variant (Variation ID: 534601). Algorithms developed to predict the effect of missense changes on protein structure and function are either unavailable or do not agree on the potential impact of this missense change (SIFT: "Tolerated"; PolyPhen-2: "Probably Damaging"; Align-GVGD: "Class C0"). Algorithms developed to predict the effect of sequence changes on RNA splicing suggest that this variant may disrupt the consensus splice site. In summary, the available evidence is currently insufficient to determine the role of this variant in disease. Therefore, it has been classified as a Variant of Uncertain Significance.